The following is an entry in ClinVar:

ClinVar aggregate classification (germline): Uncertain significance (1 of 4 stars; one submission).

Conditions:
Hyperinsulinemic hypoglycemia, familial, 2. Also called: HYPERINSULINEMIC HYPOGLYCEMIA, PERSISTENT; HYPERINSULINISM, NEONATAL. Identifiers: Orphanet 276580, Orphanet 276603, MedGen C2931833, MONDO:0011153, OMIM 601820. Disease mechanism: loss of function.

Submission:

Myriad Genetics, Inc.
Classification: Uncertain significance for Hyperinsulinemic hypoglycemia, familial, 2. Last evaluated: 2025-09-08. Review status: criteria provided, single submitter. Criteria: Myriad Autosomal Dominant, Autosomal Recessive and X-Linked Classification Criteria (2023). Collection method: clinical testing. Allele origin: unknown.
Comment: NM_000525.3(KCNJ11):c.1132_1137dup6(A378_K379dup) is an in-frame insertion classified as a variant of uncertain significance in the context of familial hyperinsulinism, KCNJ11-related. A378_K379dup has not been observed in cases with relevant disease. Relevant functional assessments of this variant are not available in the literature. A378_K379dup has not been observed in referenced population frequency databases. In summary, there is insufficient evidence to classify NM_000525.3(KCNJ11):c.1132_1137dup6(A378_K379dup) as pathogenic or benign. Please note: this variant was assessed in the context of healthy population screening.

NM_000525.4(KCNJ11):c.1126GCCAAG[3] (p.Lys379_Pro380insAlaLys)

Gene: KCNJ11 (potassium inwardly rectifying channel subfamily J member 11; minus strand). Cytogenetic location: 11p15.1.
Variant type: Microsatellite.
Coding change: c.1126GCCAAG[3] on transcript NM_000525.4 (MANE Select); three copies in a row of the 6-base unit GCCAAG starting at c.1126; the reference has two copies in a row; one copy, 6 bases duplicated.
Protein change: p.Lys379_Pro380insAlaLys.
Molecular consequence: inframe insertion.
Genome position (GRCh38, 1-based): chr11:17,386,955-17,386,960, CTTGGC duplicated on the plus strand (GCCAAG on the coding strand, the reverse complement: KCNJ11 is on the minus strand); duplicating any 6 consecutive bases within chr11:17,386,955-17,386,967 gives the same sequence; the position shown is the placement nearest the transcript's 3' end. VCF-style (leftmost placement, unchanged base first): chr11-17386954-G-GCTTGGC. GRCh37 (hg19) VCF-style: chr11-17408501-G-GCTTGGC.
Other names: c.865GCCAAG[3], p.Lys292_Pro293insAlaLys (NM_001166290.2, NM_001377296.1, NM_001377297.1).
Identifiers: ClinVar variation 5004145 (VCV005004145.1).